The following is an entry in ClinVar:

ClinVar aggregate classification (germline): Benign/Likely benign. Review status: criteria provided, multiple submitters, no conflicts (2 of 4 stars). 3 submissions from 3 submitters: Benign (1); Likely benign (2). Last evaluated 2025-11-17.

Conditions:
Hereditary cancer-predisposing syndrome. Also called: Hereditary neoplastic syndrome; Neoplastic Syndromes, Hereditary; Tumor predisposition; Hereditary Cancer Syndrome. Identifiers: Orphanet 140162, MedGen C0027672, MeSH D009386, MONDO:0015356.
Familial adenomatous polyposis 1 (FAP1). Also called: FAMILIAL ADENOMATOUS POLYPOSIS 1, ATTENUATED; POLYPOSIS, ADENOMATOUS INTESTINAL. Identifiers: MedGen C2713442, MONDO:0021056, OMIM 175100. Disease mechanism: loss of function.

Allele frequency attached by ClinVar (database versions not stated): gnomAD exomes below 0.00001; TOPMed below 0.00001.
gnomAD v4.1: 1 of 1,613,616 alleles (0.000062%); highest among the groups gnomAD compares: Non-Finnish European, 0.000085%; no homozygotes.

Submissions (3):

Labcorp Genetics (formerly Invitae), Labcorp
Classification: Likely benign for Familial adenomatous polyposis 1. Last evaluated: 2025-11-17. Review status: criteria provided, single submitter. Criteria: Invitae Variant Classification Sherloc (09022015). Collection method: clinical testing. Allele origin: germline.

Myriad Genetics, Inc.
Classification: Benign for Familial adenomatous polyposis 1. Last evaluated: 2024-04-02. Review status: criteria provided, single submitter. Criteria: Myriad Autosomal Dominant, Autosomal Recessive and X-Linked Classification Criteria (2023). Collection method: clinical testing. Allele origin: unknown.
Comment: This variant is considered benign. This variant is a silent/synonymous amino acid change and it is not expected to impact splicing.

Ambry Genetics
Classification: Likely benign for Hereditary cancer-predisposing syndrome. Last evaluated: 2021-05-31. Review status: criteria provided, single submitter. Criteria: Ambry Variant Classification Scheme 2023. Collection method: clinical testing. Allele origin: germline.

NM_000038.6(APC):c.5556T>C (p.Thr1852=)

Gene: APC (APC regulator of Wnt signaling pathway; plus strand). Cytogenetic location: 5q22.2.
Variant type: single nucleotide variant.
Coding change: c.5556T>C on transcript NM_000038.6 (MANE Select); coding-DNA position 5556, T replaced by C.
Protein change: p.Thr1852=; no amino-acid change (threonine 1852 retained).
Molecular consequence: synonymous variant.
Genome position (GRCh38, 1-based): chr5:112,841,150, T>C. VCF-style: chr5-112841150-T-C. GRCh37 (hg19) VCF-style: chr5-112176847-T-C.
Other names: c.5556T>C, p.Thr1852= (NM_001127510.3, NM_001354895.2); c.5502T>C, p.Thr1834= (NM_001127511.3); c.5610T>C, p.Thr1870= (NM_001354896.2); c.5586T>C, p.Thr1862= (NM_001354897.2); c.5481T>C, p.Thr1827= (NM_001354898.2); c.5472T>C, p.Thr1824= (NM_001354899.2); c.5433T>C, p.Thr1811= (NM_001354900.2); c.5379T>C, p.Thr1793= (NM_001354901.2); and 5 more.
Identifiers: ClinVar variation 1663807 (VCV001663807.11), dbSNP rs1765978234, ClinGen allele CA446208932.